The following is an entry in ClinVar:

NM_001031710.3(KLHL7):c.1180A>G (p.Asn394Asp)

Gene: KLHL7 (kelch like family member 7; plus strand). Cytogenetic location: 7p15.3.
Variant type: single nucleotide variant.
Coding change: c.1180A>G on transcript NM_001031710.3 (MANE Select); coding-DNA position 1180, A replaced by G.
Protein change: p.Asn394Asp; replaces asparagine 394 with aspartic acid.
Molecular consequence: missense variant. On other transcripts: non-coding transcript variant (1).
Genome position (GRCh38, 1-based): chr7:23,167,838, A>G. VCF-style: chr7-23167838-A-G. GRCh37 (hg19) VCF-style: chr7-23207457-A-G.
Other names: c.1036A>G, p.Asn346Asp (NM_018846.5); short protein forms N394D, N346D.
Identifiers: ClinVar variation 2832794 (VCV002832794.3), dbSNP rs2534929336, ClinGen allele CA366981652.

ClinVar aggregate classification (germline): Uncertain significance (1 of 4 stars; one submission).

Submission:

Labcorp Genetics (formerly Invitae), Labcorp
Classification: Uncertain significance. Last evaluated: 2023-01-29. Review status: criteria provided, single submitter. Criteria: Invitae Variant Classification Sherloc (09022015). Collection method: clinical testing. Allele origin: germline.
Comment: This sequence change replaces asparagine, which is neutral and polar, with aspartic acid, which is acidic and polar, at codon 394 of the KLHL7 protein (p.Asn394Asp). This variant is not present in population databases (gnomAD no frequency). This variant has not been reported in the literature in individuals affected with KLHL7-related conditions. Algorithms developed to predict the effect of missense changes on protein structure and function (SIFT, PolyPhen-2, Align-GVGD) all suggest that this variant is likely to be tolerated. In summary, the available evidence is currently insufficient to determine the role of this variant in disease. Therefore, it has been classified as a Variant of Uncertain Significance.